The following is an entry in ClinVar:

ClinVar aggregate classification (germline): Likely benign. Review status: criteria provided, multiple submitters, no conflicts (2 of 4 stars). 2 submissions from 2 submitters: Likely benign (2). Last evaluated 2026-02-01.

Conditions:
Inborn genetic diseases. Identifiers: MedGen C0950123, MeSH D030342.

Allele frequency attached by ClinVar (database versions not stated): gnomAD exomes 0.00017; 1000 Genomes Project 0.00020; gnomAD 0.00027; 1000 Genomes Project 30x 0.00031; TOPMed 0.00034; ExAC 0.00036; ESP Exome Variant Server 0.00038.
gnomAD v4.1: 302 of 1,568,672 alleles (0.019%); highest among the groups gnomAD compares: Middle Eastern, 0.072%; no homozygotes.

Submissions (2):

CeGaT Center for Human Genetics Tuebingen
Classification: Likely benign. Last evaluated: 2026-02-01. Review status: criteria provided, single submitter. Criteria: CeGaT Center For Human Genetics Tuebingen Variant Classification Criteria Version 2. Collection method: clinical testing. Allele origin: germline. Affected: yes. Observed: 1 variant allele.
Comment: SCAF4: BS1

Ambry Genetics
Classification: Likely benign for Inborn genetic diseases. Last evaluated: 2024-01-17. Review status: criteria provided, single submitter. Criteria: Ambry Variant Classification Scheme 2023. Collection method: clinical testing. Allele origin: germline.

NM_020706.2(SCAF4):c.1723A>G (p.Ile575Val)

Gene: SCAF4 (SR-related CTD associated factor 4; minus strand). Cytogenetic location: 21q22.11.
Variant type: single nucleotide variant.
Coding change: c.1723A>G on transcript NM_020706.2 (MANE Select); coding-DNA position 1723, A replaced by G.
Protein change: p.Ile575Val; replaces isoleucine 575 with valine.
Molecular consequence: missense variant.
Genome position (GRCh38, 1-based): chr21:31,691,822, T>C on the plus strand (A>G on the coding strand, the complement: SCAF4 is on the minus strand). VCF-style: chr21-31691822-T-C. GRCh37 (hg19) VCF-style: chr21-33064135-T-C.
Other names: c.1678A>G, p.Ile560Val (NM_001145444.1); c.1723A>G, p.Ile575Val (NM_001145445.1); short protein forms I575V, I560V.
Identifiers: ClinVar variation 3158166 (VCV003158166.5), dbSNP rs147226733, ClinGen allele CA9999492.